The following is an entry in ClinVar:

ClinVar aggregate classification (germline): Conflicting classifications of pathogenicity. Review status: criteria provided, conflicting classifications (1 of 4 stars). 4 submissions from 4 submitters: Uncertain significance (3); Likely benign (1). Last evaluated 2024-10-02.

Conditions:
Inborn genetic diseases. Identifiers: MedGen C0950123, MeSH D030342.
Imerslund-Grasbeck syndrome type 1 (IGS1). Also called: MEGALOBLASTIC ANEMIA, 1; Imerslund-Gräsbeck syndrome 1; Megaloblastic anemia 1, Finnish type. Identifiers: MedGen C4016819, MONDO:0100156, OMIM 261100.
Proteinuria, chronic benign. Identifiers: MedGen C5394384, MONDO:0030042, OMIM 618884.
Imerslund-Grasbeck syndrome. Also called: PERNICIOUS ANEMIA, JUVENILE, DUE TO SELECTIVE INTESTINAL MALABSORPTION OF VITAMIN B12, WITH PROTEINURIA; Imerslund-Gräsbeck syndrome; Megaloblastic anemia due to inborn errors of metabolism; ENTEROCYTE COBALAMIN MALABSORPTION; ENTEROCYTE INTRINSIC FACTOR RECEPTOR, DEFECT OF. Identifiers: Orphanet 35858, MedGen C4551825, MONDO:0009853.

Allele frequency attached by ClinVar (database versions not stated): gnomAD exomes 0.00001 and 0.00005; gnomAD 0.00007 and 0.00009; TOPMed 0.00004; ExAC 0.00005; 1000 Genomes Project 30x 0.00031; 1000 Genomes Project 0.00020.
gnomAD v4.1: 28 of 1,613,744 alleles (0.0017%); highest among the groups gnomAD compares: East Asian, 0.031%; no homozygotes.

Submissions (4):

Ambry Genetics
Classification: Likely benign for Inborn genetic diseases. Last evaluated: 2024-10-02. Review status: criteria provided, single submitter. Criteria: Ambry Variant Classification Scheme 2023. Collection method: clinical testing. Allele origin: germline.

Fulgent Genetics
Classification: Uncertain significance for Imerslund-Grasbeck syndrome type 1; Proteinuria, chronic benign. Last evaluated: 2024-03-11. Review status: criteria provided, single submitter. Criteria: ACMG Guidelines, 2015. Collection method: clinical testing. Allele origin: germline.

Labcorp Genetics (formerly Invitae), Labcorp
Classification: Uncertain significance for Imerslund-Grasbeck syndrome. Last evaluated: 2021-08-27. Review status: criteria provided, single submitter. Criteria: Invitae Variant Classification Sherloc (09022015). Collection method: clinical testing. Allele origin: germline.
Comment: This sequence change replaces threonine with alanine at codon 1131 of the CUBN protein (p.Thr1131Ala). The threonine residue is weakly conserved and there is a small physicochemical difference between threonine and alanine. This variant is present in population databases (rs201138390, ExAC 0.06%). This variant has not been reported in the literature in individuals affected with CUBN-related conditions. Algorithms developed to predict the effect of missense changes on protein structure and function (SIFT, PolyPhen-2, Align-GVGD) all suggest that this variant is likely to be tolerated. Algorithms developed to predict the effect of sequence changes on RNA splicing suggest that this variant may create or strengthen a splice site. In summary, the available evidence is currently insufficient to determine the role of this variant in disease. Therefore, it has been classified as a Variant of Uncertain Significance.

GeneDx
Classification: Uncertain significance. Last evaluated: 2019-11-19. Review status: criteria provided, single submitter. Criteria: GeneDx Variant Classification Process June 2021. Collection method: clinical testing. Allele origin: germline. Affected: yes.
Comment: In silico analysis, which includes protein predictors and evolutionary conservation, supports that this variant does not alter protein structure/function; Has not been previously published as pathogenic or benign to our knowledge

NM_001081.4(CUBN):c.3391A>G (p.Thr1131Ala)

Gene: CUBN (cubilin; minus strand). Cytogenetic location: 10p13.
Variant type: single nucleotide variant.
Coding change: c.3391A>G on transcript NM_001081.4 (MANE Select); coding-DNA position 3391, A replaced by G.
Protein change: p.Thr1131Ala; replaces threonine 1131 with alanine.
Molecular consequence: missense variant.
Genome position (GRCh38, 1-based): chr10:17,046,033, T>C on the plus strand (A>G on the coding strand, the complement: CUBN is on the minus strand). VCF-style: chr10-17046033-T-C. GRCh37 (hg19) VCF-style: chr10-17088032-T-C.
Other names: short protein forms T1131A.
Identifiers: ClinVar variation 641609 (VCV000641609.7), dbSNP rs201138390, ClinGen allele CA5424681.